The following is an entry in ClinVar:

NM_014795.4(ZEB2):c.3559G>C (p.Asp1187His)

Gene: ZEB2 (zinc finger E-box binding homeobox 2; minus strand). Cytogenetic location: 2q22.3.
Variant type: single nucleotide variant.
Coding change: c.3559G>C on transcript NM_014795.4 (MANE Select); coding-DNA position 3559, G replaced by C.
Protein change: p.Asp1187His; replaces aspartic acid 1187 with histidine.
Molecular consequence: missense variant.
Genome position (GRCh38, 1-based): chr2:144,389,537, C>G on the plus strand (G>C on the coding strand, the complement: ZEB2 is on the minus strand). VCF-style: chr2-144389537-C-G. GRCh37 (hg19) VCF-style: chr2-145147104-C-G.
Other names: c.3487G>C, p.Asp1163His (NM_001171653.2); short protein forms D1163H, D1187H.
Identifiers: ClinVar variation 4881896 (VCV004881896.2).

ClinVar aggregate classification (germline): Uncertain significance (1 of 4 stars; one submission).

Submission:

Dasa
Classification: Uncertain significance. Last evaluated: 2025-08-26. Review status: criteria provided, single submitter. Criteria: DASA Assertion Criteria. Collection method: clinical testing. Allele origin: germline.
Comment: NM_014795.4(ZEB2):c.3559G>C (p.Asp1187His) is a missense variant that results in the substitution of aspartic acid with histidine. This variant is absent from population databases. Computational prediction algorithms are consistent with a benign effect. The currently available literature and clinical evidence are not sufficient to establish a definitive association between this variant and the reported condition. Therefore, this variant is classified as a variant of uncertain significance.